The following is an entry in ClinVar:

ClinVar aggregate classification (germline): Likely benign. Review status: criteria provided, single submitter (1 of 4 stars). 2 submissions from 2 submitters: Likely benign (1). 1 of the submissions does not count toward it. Last evaluated 2021-12-20.

Conditions:
MRPS34-related disorder. Also called: MRPS34-related condition.

Allele frequency attached by ClinVar (database versions not stated): TOPMed 0.00002; gnomAD 0.00003; gnomAD exomes 0.00004; 1000 Genomes Project 30x 0.00031.

Submissions (2):

Labcorp Genetics (formerly Invitae), Labcorp
Classification: Likely benign. Last evaluated: 2021-12-20. Review status: criteria provided, single submitter. Criteria: Invitae Variant Classification Sherloc (09022015). Collection method: clinical testing. Allele origin: germline.

PreventionGenetics, part of Exact Sciences
Classification: Likely benign for MRPS34-related condition. Last evaluated: 2019-02-19. Review status: no assertion criteria provided. Collection method: clinical testing. Allele origin: germline. Not counted in ClinVar's aggregate classification.
Comment: This variant is classified as likely benign based on ACMG/AMP sequence variant interpretation guidelines (Richards et al. 2015 PMID: 25741868, with internal and published modifications).

NM_023936.2(MRPS34):c.12G>A (p.Lys4=)

Genes: EME2 (essential meiotic structure-specific endonuclease subunit 2; plus strand), MRPS34 (mitochondrial ribosomal protein S34; minus strand), LOC130058184 (ATAC-STARR-seq lymphoblastoid active region 10237; plus strand). Cytogenetic location: 16p13.3.
Variant type: single nucleotide variant.
Coding change: c.12G>A on transcript NM_023936.2 (MANE Select); coding-DNA position 12, G replaced by A.
Protein change: p.Lys4=; no amino-acid change (lysine 4 retained).
Molecular consequence: synonymous variant. On other transcripts: 5 prime UTR variant (1).
Genome position (GRCh38, 1-based): chr16:1,773,108, C>T on the plus strand (G>A on the coding strand, the complement: MRPS34 is on the minus strand). VCF-style: chr16-1773108-C-T. GRCh37 (hg19) VCF-style: chr16-1823109-C-T.
Other names: c.-120C>T (NM_001257370.2); c.12G>A, p.Lys4= (NM_001300900.2).
Identifiers: ClinVar variation 1930798 (VCV001930798.7), dbSNP rs1369528107, ClinGen allele CA493034115.